The following is an entry in ClinVar:

ClinVar aggregate classification (germline): Likely benign. Review status: criteria provided, multiple submitters, no conflicts (2 of 4 stars). 2 submissions from 2 submitters: Likely benign (2). Last evaluated 2025-04-23.

Conditions:
Marfan syndrome (MFS). Also called: Marfan syndrome, classic; MARFAN SYNDROME, TYPE I; Marfan syndrome type 1; Marfan's syndrome; FBN1-Related Marfan Syndrome. Identifiers: Orphanet 284963, Orphanet 558, MedGen C0024796, MONDO:0007947, OMIM 154700.
Familial thoracic aortic aneurysm and aortic dissection (TAAD). Also called: Thoracic aortic aneurysms and dissections. Identifiers: Orphanet 91387, MedGen C4707243, MONDO:0019625.

Allele frequency attached by ClinVar (database versions not stated): gnomAD exomes below 0.00001.
gnomAD v4.1: 1 of 1,614,088 alleles (0.000062%); highest among the groups gnomAD compares: Non-Finnish European, 0.000085%; no homozygotes.

Submissions (2):

Labcorp Genetics (formerly Invitae), Labcorp
Classification: Likely benign for Marfan syndrome; Familial thoracic aortic aneurysm and aortic dissection. Last evaluated: 2025-04-23. Review status: criteria provided, single submitter. Criteria: Invitae Variant Classification Sherloc (09022015). Collection method: clinical testing. Allele origin: germline.

All of Us Research Program, National Institutes of Health
Classification: Likely benign for Marfan syndrome. Last evaluated: 2023-08-15. Review status: criteria provided, single submitter. Criteria: ACMG Guidelines, 2015. Collection method: clinical testing. Allele origin: germline. Inheritance: Autosomal dominant inheritance. Observed: 2 variant alleles, 2 heterozygotes.
Comment: This study involves interpretation of variants in research participants for the purpose of population health screening. Participant phenotype was not available at the time of variant classification. Additional details can be found in publication PMID: 35346344, PMCID: PMC8962531

NM_000138.5(FBN1):c.2085T>C (p.Pro695=)

Gene: FBN1 (fibrillin 1; minus strand). Cytogenetic location: 15q21.1.
Variant type: single nucleotide variant.
Coding change: c.2085T>C on transcript NM_000138.5 (MANE Select); coding-DNA position 2085, T replaced by C.
Protein change: p.Pro695=; no amino-acid change (proline 695 retained).
Molecular consequence: synonymous variant.
Genome position (GRCh38, 1-based): chr15:48,503,815, A>G on the plus strand (T>C on the coding strand, the complement: FBN1 is on the minus strand). VCF-style: chr15-48503815-A-G. GRCh37 (hg19) VCF-style: chr15-48796012-A-G.
Identifiers: ClinVar variation 1578819 (VCV001578819.9), dbSNP rs2141315721, ClinGen allele CA490024169.